The following is an entry in ClinVar:

NM_000501.4(ELN):c.196+194G>A

Gene: ELN (elastin; plus strand). Cytogenetic location: 7q11.23.
Variant type: single nucleotide variant.
Coding change: c.196+194G>A on transcript NM_000501.4 (MANE Select); 194 bases into the intron after coding-DNA position 196, G replaced by A.
Molecular consequence: intron variant.
Genome position (GRCh38, 1-based): chr7:74,037,933, G>A. VCF-style: chr7-74037933-G-A. GRCh37 (hg19) VCF-style: chr7-73452263-G-A.
Other names: c.196+194G>A (NM_001081754.3, NM_001081753.3, NM_001278939.2 and 5 more transcripts); c.166+194G>A (NM_001278914.2, NM_001278917.2, NM_001081752.3 and 1 more transcripts).
Identifiers: ClinVar variation 674889 (VCV000674889.2), dbSNP rs2301994, ClinGen allele CA12615190.
Genomic context (GRCh38, chr7:74,037,933, plus strand): 5'-GTGGACACCGATTAGCCTCCCAAGGATGAGTAGGCCGGGGCCAGGTCCCAGGGCTTCCAG[G>A]AACAAGAGGCTGGAAGCAGCTCCATGTCCTCCCTGTGTGAGGGCGTCTAGCATCTACCCT-3'

ClinVar aggregate classification (germline): Benign. Review status: criteria provided, multiple submitters, no conflicts (2 of 4 stars). 2 submissions from 2 submitters: Benign (2). Last evaluated 2018-06-18.

Allele frequency attached by ClinVar (database versions not stated): gnomAD exomes 0.07626; gnomAD 0.11280 and 0.11338; TOPMed 0.11871; 1000 Genomes Project 30x 0.15350; 1000 Genomes Project 0.15455.
gnomAD v4.1: 61,535 of 731,356 alleles (8.4%); highest among the groups gnomAD compares: African/African-American, 21%; 3,659 homozygotes.

Submissions (2):

GeneDx
Classification: Benign. Last evaluated: 2018-06-18. Review status: criteria provided, single submitter. Criteria: GeneDx Variant Classification (06012015). Collection method: clinical testing. Allele origin: germline. Affected: yes.
Comment: This variant is considered likely benign or benign based on one or more of the following criteria: it is a conservative change, it occurs at a poorly conserved position in the protein, it is predicted to be benign by multiple in silico algorithms, and/or has population frequency not consistent with disease.

Breakthrough Genomics
Classification: Benign. Review status: criteria provided, single submitter. Criteria: ACMG Guidelines, 2015. Collection method: not provided. Allele origin: germline. Inheritance: Autosomal dominant inheritance. Affected: yes.